The following is an entry in ClinVar:

NM_000092.5(COL4A4):c.171T>A (p.Cys57Ter)

Gene: COL4A4 (collagen type IV alpha 4 chain; minus strand). Cytogenetic location: 2q36.3.
Variant type: single nucleotide variant.
Coding change: c.171T>A on transcript NM_000092.5 (MANE Select); coding-DNA position 171, T replaced by A.
Protein change: p.Cys57Ter; replaces cysteine 57 with a stop codon.
Molecular consequence: nonsense.
Genome position (GRCh38, 1-based): chr2:227,140,182, A>T on the plus strand (T>A on the coding strand, the complement: COL4A4 is on the minus strand). VCF-style: chr2-227140182-A-T. GRCh37 (hg19) VCF-style: chr2-228004898-A-T.
Other names: short protein forms C57*.
Identifiers: ClinVar variation 1726647 (VCV001726647.2), dbSNP rs2476899667, ClinGen allele CA350866285.

ClinVar aggregate classification (germline): Likely pathogenic (1 of 4 stars; one submission).

Conditions:
Autosomal recessive Alport syndrome (ATS2). Also called: Alport syndrome type 2; COL4A4 Alport Syndrome and Thin Basement Membrane Nephropathy; ALPORT SYNDROME 2, AUTOSOMAL RECESSIVE; COL4A3-Related Nephropathy. Identifiers: Orphanet 63, Orphanet 88919, MedGen C4746745, MONDO:0008762, OMIM 203780.

Submission:

Myriad Genetics, Inc.
Classification: Likely pathogenic for Autosomal recessive Alport syndrome. Last evaluated: 2021-12-30. Review status: criteria provided, single submitter. Criteria: Myriad Women's Health Autosomal Recessive and X-Linked Classification Criteria (2021). Collection method: clinical testing. Allele origin: unknown.
Comment: NM_000092.4(COL4A4):c.171T>A(C57*) is expected to be pathogenic in the context of COL4A4-related Alport syndrome. This variant is predicted to lead to an abnormal or absent protein product due to the creation of a premature termination codon in COL4A4, a gene where loss-of-function variants are known to be pathogenic. Please note: this variant was assessed in the context of healthy population screening.